The following is an entry in ClinVar:

NM_144997.7(FLCN):c.277C>G (p.Pro93Ala)

Gene: FLCN (folliculin; minus strand). Cytogenetic location: 17p11.2.
Variant type: single nucleotide variant.
Coding change: c.277C>G on transcript NM_144997.7 (MANE Select); coding-DNA position 277, C replaced by G.
Protein change: p.Pro93Ala; replaces proline 93 with alanine.
Molecular consequence: missense variant.
Genome position (GRCh38, 1-based): chr17:17,226,295, G>C on the plus strand (C>G on the coding strand, the complement: FLCN is on the minus strand). VCF-style: chr17-17226295-G-C. GRCh37 (hg19) VCF-style: chr17-17129609-G-C.
Other names: c.277C>G, p.Pro93Ala (NM_001353229.2, NM_001353230.2, NM_001353231.2 and 1 more transcripts); short protein forms P93A.
Identifiers: ClinVar variation 1503184 (VCV001503184.10), dbSNP rs1211934116, ClinGen allele CA398534946.

ClinVar aggregate classification (germline): Uncertain significance. Review status: criteria provided, multiple submitters, no conflicts (2 of 4 stars). 2 submissions from 2 submitters: Uncertain significance (2). Last evaluated 2025-07-22.

Conditions:
Hereditary cancer-predisposing syndrome. Also called: Tumor predisposition; Hereditary neoplastic syndrome; Neoplastic Syndromes, Hereditary; Hereditary Cancer Syndrome. Identifiers: Orphanet 140162, MedGen C0027672, MeSH D009386, MONDO:0015356.
Birt-Hogg-Dube syndrome. Also called: Birt Hogg Dubé syndrome. Identifiers: Orphanet 122, MedGen C0346010, MONDO:0800444.

gnomAD v4.1: 1 of 1,614,172 alleles (0.000062%); highest among the groups gnomAD compares: Non-Finnish European, 0.000085%; no homozygotes.

Submissions (2):

Labcorp Genetics (formerly Invitae), Labcorp
Classification: Uncertain significance for Birt-Hogg-Dube syndrome. Last evaluated: 2025-07-22. Review status: criteria provided, single submitter. Criteria: Invitae Variant Classification Sherloc (09022015). Collection method: clinical testing. Allele origin: germline.
Comment: This sequence change replaces proline, which is neutral and non-polar, with alanine, which is neutral and non-polar, at codon 93 of the FLCN protein (p.Pro93Ala). This variant is not present in population databases (gnomAD no frequency). This variant has not been reported in the literature in individuals affected with FLCN-related conditions. ClinVar contains an entry for this variant (Variation ID: 1503184). Invitae Evidence Modeling of protein sequence and biophysical properties (such as structural, functional, and spatial information, amino acid conservation, physicochemical variation, residue mobility, and thermodynamic stability) indicates that this missense variant is not expected to disrupt FLCN protein function with a negative predictive value of 80%. In summary, the available evidence is currently insufficient to determine the role of this variant in disease. Therefore, it has been classified as a Variant of Uncertain Significance.

Ambry Genetics
Classification: Uncertain significance for Hereditary cancer-predisposing syndrome. Last evaluated: 2022-03-04. Review status: criteria provided, single submitter. Criteria: Ambry Variant Classification Scheme 2023. Collection method: clinical testing. Allele origin: germline.
Comment: The p.P93A variant (also known as c.277C>G), located in coding exon 2 of the FLCN gene, results from a C to G substitution at nucleotide position 277. The proline at codon 93 is replaced by alanine, an amino acid with highly similar properties. This amino acid position is conserved. In addition, this alteration is predicted to be deleterious by in silico analysis. Since supporting evidence is limited at this time, the clinical significance of this alteration remains unclear.